The following is an entry in ClinVar:

ClinVar aggregate classification (germline): Uncertain significance (1 of 4 stars; one submission).

Conditions:
Juvenile polyposis syndrome (JPS). Identifiers: Orphanet 2929, MedGen C0345893, MONDO:0017380, OMIM 174900.

Submission:

Labcorp Genetics (formerly Invitae), Labcorp
Classification: Uncertain significance for Juvenile polyposis syndrome. Last evaluated: 2022-11-07. Review status: criteria provided, single submitter. Criteria: Invitae Variant Classification Sherloc (09022015). Collection method: clinical testing. Allele origin: germline.
Comment: In summary, the available evidence is currently insufficient to determine the role of this variant in disease. Therefore, it has been classified as a Variant of Uncertain Significance. Advanced modeling of protein sequence and biophysical properties (such as structural, functional, and spatial information, amino acid conservation, physicochemical variation, residue mobility, and thermodynamic stability) has been performed at Invitae for this missense variant, however the output from this modeling did not meet the statistical confidence thresholds required to predict the impact of this variant on BMPR1A protein function. ClinVar contains an entry for this variant (Variation ID: 1350255). This variant has not been reported in the literature in individuals affected with BMPR1A-related conditions. This variant is not present in population databases (gnomAD no frequency). This sequence change replaces methionine, which is neutral and non-polar, with isoleucine, which is neutral and non-polar, at codon 470 of the BMPR1A protein (p.Met470Ile).

NM_004329.3(BMPR1A):c.1410G>C (p.Met470Ile)

Gene: BMPR1A (bone morphogenetic protein receptor type 1A; plus strand). Cytogenetic location: 10q23.2.
Variant type: single nucleotide variant.
Coding change: c.1410G>C on transcript NM_004329.3 (MANE Select); coding-DNA position 1410, G replaced by C.
Protein change: p.Met470Ile; replaces methionine 470 with isoleucine.
Molecular consequence: missense variant.
Genome position (GRCh38, 1-based): chr10:86,923,443, G>C. VCF-style: chr10-86923443-G-C. GRCh37 (hg19) VCF-style: chr10-88683200-G-C.
Other names: short protein forms M470I.
Identifiers: ClinVar variation 1350255 (VCV001350255.6), dbSNP rs749743579, ClinGen allele CA377462972.